The following is an entry in ClinVar:

NM_001023570.4(IQCB1):c.1150C>T (p.Arg384Trp)

Gene: IQCB1 (IQ motif containing B1; minus strand). Cytogenetic location: 3q13.33.
Variant type: single nucleotide variant.
Coding change: c.1150C>T on transcript NM_001023570.4 (MANE Select); coding-DNA position 1150, C replaced by T.
Protein change: p.Arg384Trp; replaces arginine 384 with tryptophan.
Molecular consequence: missense variant. On other transcripts: non-coding transcript variant (1).
Genome position (GRCh38, 1-based): chr3:121,788,412, G>A on the plus strand (C>T on the coding strand, the complement: IQCB1 is on the minus strand). VCF-style: chr3-121788412-G-A. GRCh37 (hg19) VCF-style: chr3-121507259-G-A.
Other names: c.751C>T, p.Arg251Trp (NM_001023571.4); c.1150C>T, p.Arg384Trp (NM_001319107.2); short protein forms R384W, R251W.
Identifiers: ClinVar variation 903485 (VCV000903485.11), dbSNP rs760548277, ClinGen allele CA2567180.

ClinVar aggregate classification (germline): Uncertain significance. Review status: criteria provided, multiple submitters, no conflicts (2 of 4 stars). 3 submissions from 3 submitters: Uncertain significance (3). Last evaluated 2024-05-03.

Conditions:
Senior-Loken syndrome 5 (SLSN5). Identifiers: Orphanet 3156, MedGen C1836517, MONDO:0012225, OMIM 609254.
Nephronophthisis. Also called: Juvenile Nephronophthisis. Identifiers: Orphanet 655, MedGen C0687120, MONDO:0019005, HP:0000090.

Allele frequency attached by ClinVar (database versions not stated): gnomAD 0.00001; gnomAD exomes 0.00001 and 0.00002; TOPMed 0.00001; ExAC 0.00002.
gnomAD v4.1: 15 of 1,613,374 alleles (0.00093%); highest among the groups gnomAD compares: East Asian, 0.011%; no homozygotes.

Submissions (3):

Fulgent Genetics
Classification: Uncertain significance for Senior-Loken syndrome 5. Last evaluated: 2024-05-03. Review status: criteria provided, single submitter. Criteria: ACMG Guidelines, 2015. Collection method: clinical testing. Allele origin: germline.

Labcorp Genetics (formerly Invitae), Labcorp
Classification: Uncertain significance for Nephronophthisis. Last evaluated: 2024-02-24. Review status: criteria provided, single submitter. Criteria: Invitae Variant Classification Sherloc (09022015). Collection method: clinical testing. Allele origin: germline.
Comment: This sequence change replaces arginine, which is basic and polar, with tryptophan, which is neutral and slightly polar, at codon 384 of the IQCB1 protein (p.Arg384Trp). This variant is present in population databases (rs760548277, gnomAD 0.006%). This variant has not been reported in the literature in individuals affected with IQCB1-related conditions. ClinVar contains an entry for this variant (Variation ID: 903485). Advanced modeling of protein sequence and biophysical properties (such as structural, functional, and spatial information, amino acid conservation, physicochemical variation, residue mobility, and thermodynamic stability) performed at Invitae indicates that this missense variant is not expected to disrupt IQCB1 protein function with a negative predictive value of 80%. Algorithms developed to predict the effect of sequence changes on RNA splicing suggest that this variant may disrupt the consensus splice site. In summary, the available evidence is currently insufficient to determine the role of this variant in disease. Therefore, it has been classified as a Variant of Uncertain Significance.

Illumina Laboratory Services, Illumina
Classification: Uncertain significance for Senior-Loken syndrome 5. Last evaluated: 2018-01-13. Review status: criteria provided, single submitter. Criteria: ICSL Variant Classification Criteria 13 December 2019. Collection method: clinical testing. Allele origin: germline.